The following is an entry in ClinVar:

ClinVar aggregate classification (germline): Uncertain significance (1 of 4 stars; one submission).

gnomAD v4.1: 9 of 1,607,756 alleles (0.00056%); highest among the groups gnomAD compares: Non-Finnish European, 0.00068%; no homozygotes.

Submission:

Labcorp Genetics (formerly Invitae), Labcorp
Classification: Uncertain significance. Last evaluated: 2025-11-23. Review status: criteria provided, single submitter. Criteria: Invitae Variant Classification Sherloc (09022015). Collection method: clinical testing. Allele origin: germline.
Comment: This sequence change replaces tryptophan, which is neutral and slightly polar, with cysteine, which is neutral and slightly polar, at codon 41 of the TACR3 protein (p.Trp41Cys). This variant is present in population databases (rs779330311, gnomAD 0.0009%). This variant has not been reported in the literature in individuals affected with TACR3-related conditions. An algorithm developed to predict the effect of missense changes on protein structure and function (PolyPhen-2) suggests that this variant is likely to be disruptive. In summary, the available evidence is currently insufficient to determine the role of this variant in disease. Therefore, it has been classified as a Variant of Uncertain Significance.

NM_001059.3(TACR3):c.123G>T (p.Trp41Cys)

Gene: TACR3 (tachykinin receptor 3; minus strand). Cytogenetic location: 4q24.
Variant type: single nucleotide variant.
Coding change: c.123G>T on transcript NM_001059.3 (MANE Select); coding-DNA position 123, G replaced by T.
Protein change: p.Trp41Cys; replaces tryptophan 41 with cysteine.
Molecular consequence: missense variant.
Genome position (GRCh38, 1-based): chr4:103,719,553, C>A on the plus strand (G>T on the coding strand, the complement: TACR3 is on the minus strand). VCF-style: chr4-103719553-C-A. GRCh37 (hg19) VCF-style: chr4-104640710-C-A.
Other names: short protein forms W41C.
Identifiers: ClinVar variation 4776358 (VCV004776358.1).